The following is an entry in ClinVar:

ClinVar aggregate classification (germline): Pathogenic. Review status: criteria provided, multiple submitters, no conflicts (2 of 4 stars). 2 submissions from 2 submitters: Pathogenic (2). Last evaluated 2021-12-14.

Conditions:
CHARGE syndrome (CHARGE). Also called: Hittner Hirsch Kreh syndrome; Coloboma, heart anomaly, choanal atresia, retardation, genital and ear anomalies; CHARGE association; Hall-Hittner syndrome; CHARGE ASSOCIATION--COLOBOMA, HEART ANOMALY, CHOANAL ATRESIA, RETARDATION, GENITAL AND EAR ANOMALIES. Identifiers: Orphanet 138, MedGen C0265354, MONDO:0008965.

Submissions (2):

Labcorp Genetics (formerly Invitae), Labcorp
Classification: Pathogenic for CHARGE syndrome. Last evaluated: 2021-12-14. Review status: criteria provided, single submitter. Criteria: Invitae Variant Classification Sherloc (09022015). Collection method: clinical testing. Allele origin: germline.
Comment: This sequence change creates a premature translational stop signal (p.Tyr2056Profs*3) in the CHD7 gene. It is expected to result in an absent or disrupted protein product. Loss-of-function variants in CHD7 are known to be pathogenic (PMID: 22461308, 25077900). For these reasons, this variant has been classified as Pathogenic. ClinVar contains an entry for this variant (Variation ID: 265405). This premature translational stop signal has been observed in individual(s) with CHARGE syndrome and/or multiple congenital anomalies (PMID: 22461308, 33502061). In at least one individual the variant was observed to be de novo. This variant is not present in population databases (gnomAD no frequency).

GeneDx
Classification: Pathogenic. Last evaluated: 2020-01-10. Review status: criteria provided, single submitter. Criteria: GeneDx Variant Classification Process June 2021. Collection method: clinical testing. Allele origin: germline. Affected: yes.
Comment: Frameshift variant predicted to result in protein truncation or nonsense mediated decay in a gene for which loss-of-function is a known mechanism of disease; Not observed in large population cohorts (Lek et al., 2016); This variant is associated with the following publications: (PMID: 31146700, 22461308, 33502061)

Literature cited by the submitters: PubMed 22461308 (cited by Labcorp Genetics (formerly Invitae), Labcorp); PubMed 25077900 (cited by Labcorp Genetics (formerly Invitae), Labcorp); PubMed 33502061 (cited by Labcorp Genetics (formerly Invitae), Labcorp).

NM_017780.4(CHD7):c.6165_6166del (p.Tyr2056fs)

Gene: CHD7 (chromodomain helicase DNA binding protein 7; plus strand). Cytogenetic location: 8q12.2.
Variant type: Deletion.
Coding change: c.6165_6166del on transcript NM_017780.4 (MANE Select); coding-DNA positions 6165 to 6166, 2 bases deleted (GT; older notation c.6165_6166delGT).
Protein change: p.Tyr2056fs; shifts the reading frame from tyrosine 2056.
Molecular consequence: frameshift variant. On other transcripts: intron variant (1).
Genome position (GRCh38, 1-based): chr8:60,852,890-60,852,891, GT deleted; deleting any 2 consecutive bases within chr8:60,852,889-60,852,891 gives the same sequence; the c. name uses the placement nearest the transcript's 3' end. VCF-style (leftmost placement, unchanged base first): chr8-60852888-CTG-C. GRCh37 (hg19) VCF-style: chr8-61765447-CTG-C.
Other names: c.6165_6166delGT (NM_017780.2); c.6165_6166del (LRG_176t1); c.1717-9339_1717-9338del (NM_001316690.1); short protein forms Y2056fs.
Identifiers: ClinVar variation 265405 (VCV000265405.10), dbSNP rs886039528, ClinGen allele CA10588459.
Genomic context (GRCh38, chr8:60,852,888, plus strand): 5'-GAACCGCCCGACCTCTCCTCCATAATTGAGCCGATCACAGAGGAGCGAGCCTCTCGAACT[CTG>C]TACCGCATTGAGCTGCTACGGAAGATCCGCGAGCAGGTTCTCCATCACCCCCAGCTGGGA-3'